The following is an entry in ClinVar:

ClinVar aggregate classification (germline): Conflicting classifications of pathogenicity. Review status: criteria provided, conflicting classifications (1 of 4 stars). 2 submissions from 2 submitters: Uncertain significance (1); Likely benign (1). Last evaluated 2025-08-29.

Allele frequency attached by ClinVar (database versions not stated): gnomAD 0.00106; ExAC 0.00131; 1000 Genomes Project 0.00419; 1000 Genomes Project 30x 0.00687.

Submissions (2):

Ambry Genetics
Classification: Uncertain significance. Last evaluated: 2025-08-29. Review status: criteria provided, single submitter. Criteria: Ambry Variant Classification Scheme 2023. Collection method: clinical testing. Allele origin: germline.

CeGaT Center for Human Genetics Tuebingen
Classification: Likely benign. Last evaluated: 2023-07-01. Review status: criteria provided, single submitter. Criteria: CeGaT Center For Human Genetics Tuebingen Variant Classification Criteria Version 2. Collection method: clinical testing. Allele origin: germline. Affected: yes. Observed: 2 variant alleles.
Comment: MUC5B: BP4, BS2

NM_002458.3(MUC5B):c.9929C>G (p.Thr3310Ser)

Genes: MUC5B (mucin 5B, oligomeric mucus/gel-forming; plus strand), MUC5B-AS1 (MUC5B antisense RNA 1; minus strand). Cytogenetic location: 11p15.5.
Variant type: single nucleotide variant.
Coding change: c.9929C>G on transcript NM_002458.3 (MANE Select); coding-DNA position 9929, C replaced by G.
Protein change: p.Thr3310Ser; replaces threonine 3310 with serine.
Molecular consequence: missense variant.
Genome position (GRCh38, 1-based): chr11:1,246,809, C>G. VCF-style: chr11-1246809-C-G. GRCh37 (hg19) VCF-style: chr11-1268039-C-G.
Other names: c.9929C>G (NM_002458.2); short protein forms T3310S.
Identifiers: ClinVar variation 2641262 (VCV002641262.25), dbSNP rs199754770, ClinGen allele CA5807184.